The following is an entry in ClinVar:

NM_006904.7(PRKDC):c.5015T>C (p.Phe1672Ser)

Gene: PRKDC (protein kinase, DNA-activated, catalytic subunit; minus strand). Cytogenetic location: 8q11.21.
Variant type: single nucleotide variant.
Coding change: c.5015T>C on transcript NM_006904.7 (MANE Select); coding-DNA position 5015, T replaced by C.
Protein change: p.Phe1672Ser; replaces phenylalanine 1672 with serine.
Molecular consequence: missense variant.
Genome position (GRCh38, 1-based): chr8:47,881,468, A>G on the plus strand (T>C on the coding strand, the complement: PRKDC is on the minus strand). VCF-style: chr8-47881468-A-G. GRCh37 (hg19) VCF-style: chr8-48794029-A-G.
Other names: c.5015T>C, p.Phe1672Ser (NM_001081640.2); short protein forms F1672S.
Identifiers: ClinVar variation 1744781 (VCV001744781.2), dbSNP rs2551872549, ClinGen allele CA371139926.

ClinVar aggregate classification (germline): Uncertain significance (1 of 4 stars; one submission).

Submission:

Ambry Genetics
Classification: Uncertain significance. Last evaluated: 2021-07-29. Review status: criteria provided, single submitter. Criteria: Ambry Variant Classification Scheme 2023. Collection method: clinical testing. Allele origin: germline.
Comment: The p.F1672S variant (also known as c.5015T>C), located in coding exon 38 of the PRKDC gene, results from a T to C substitution at nucleotide position 5015. The phenylalanine at codon 1672 is replaced by serine, an amino acid with highly dissimilar properties. This amino acid position is conserved. Since supporting evidence is limited at this time, the clinical significance of this alteration remains unclear.